The following is an entry in ClinVar:

ClinVar aggregate classification (germline): Likely pathogenic (1 of 4 stars; one submission).

Conditions:
Autosomal recessive limb-girdle muscular dystrophy type R18 (LGMDR18). Also called: Limb-girdle muscular dystrophy, type 2S; MUSCULAR DYSTROPHY, LIMB-GIRDLE, AUTOSOMAL RECESSIVE 18; Autosomal recessive limb-girdle muscular dystrophy type 2S. Identifiers: Orphanet 369840, MedGen C4517996, MONDO:0014144, OMIM 615356.

Submission:

Labcorp Genetics (formerly Invitae), Labcorp
Classification: Likely pathogenic for Autosomal recessive limb-girdle muscular dystrophy type R18. Last evaluated: 2022-07-25. Review status: criteria provided, single submitter. Criteria: Invitae Variant Classification Sherloc (09022015). Collection method: clinical testing. Allele origin: germline.
Comment: Algorithms developed to predict the effect of sequence changes on RNA splicing suggest that this variant may disrupt the consensus splice site. In summary, the currently available evidence indicates that the variant is pathogenic, but additional data are needed to prove that conclusively. Therefore, this variant has been classified as Likely Pathogenic. This variant has not been reported in the literature in individuals affected with TRAPPC11-related conditions. This variant is not present in population databases (gnomAD no frequency). This sequence change affects an acceptor splice site in intron 25 of the TRAPPC11 gene. It is expected to disrupt RNA splicing. Variants that disrupt the donor or acceptor splice site typically lead to a loss of protein function (PMID: 16199547), and loss-of-function variants in TRAPPC11 are known to be pathogenic (PMID: 23830518, 26322222).

Literature cited by the submitters: PubMed 16199547; PubMed 23830518; PubMed 26322222.

NM_021942.6(TRAPPC11):c.2852-1G>T

Gene: TRAPPC11 (trafficking protein particle complex subunit 11; plus strand). Cytogenetic location: 4q35.1.
Variant type: single nucleotide variant.
Coding change: c.2852-1G>T on transcript NM_021942.6 (MANE Select); the canonical splice acceptor site of the intron before coding-DNA position 2852, G replaced by T.
Molecular consequence: splice acceptor variant.
Genome position (GRCh38, 1-based): chr4:183,701,696, G>T. VCF-style: chr4-183701696-G-T. GRCh37 (hg19) VCF-style: chr4-184622849-G-T.
Other names: c.2852-1G>T (NM_199053.3).
Identifiers: ClinVar variation 2019614 (VCV002019614.4), dbSNP rs2476948265, ClinGen allele CA358873726.